The following is an entry in ClinVar:

NM_007294.4(BRCA1):c.2426A>G (p.Glu809Gly)

Gene: BRCA1 (BRCA1 DNA repair associated; minus strand). Cytogenetic location: 17q21.31.
Variant type: single nucleotide variant.
Coding change: c.2426A>G on transcript NM_007294.4 (MANE Select); coding-DNA position 2426, A replaced by G.
Protein change: p.Glu809Gly; replaces glutamic acid 809 with glycine.
Molecular consequence: missense variant. On other transcripts: intron variant (137).
Genome position (GRCh38, 1-based): chr17:43,093,105, T>C on the plus strand (A>G on the coding strand, the complement: BRCA1 is on the minus strand). VCF-style: chr17-43093105-T-C. GRCh37 (hg19) VCF-style: chr17-41245122-T-C.
Other names: NP_009225.1:p.Glu809Gly; 2545A>G; c.2423A>G, p.Glu808Gly (NM_001407645.1, NM_001407860.1, NM_001407861.1 and 22 more transcripts); c.2417A>G, p.Glu806Gly (NM_001407646.1, NM_001407647.1); c.2303A>G, p.Glu768Gly (NM_001407648.1, NM_001407664.1, NM_001407665.1 and 19 more transcripts); c.2300A>G, p.Glu767Gly (NM_001407649.1, NM_001407670.1, NM_001407671.1 and 11 more transcripts); c.2426A>G, p.Glu809Gly (NM_001407652.1, NM_001407684.1, NM_001407854.1 and 30 more transcripts); c.2348A>G, p.Glu783Gly (NM_001407653.1, NM_001407654.1, NM_001407655.1 and 4 more transcripts); and 43 more; short protein forms E809G, E762G, E641G, E681G, E738G, E806G, E682G, E698G.
Identifiers: ClinVar variation 37468 (VCV000037468.44), dbSNP rs397507201, ClinGen allele CA001620.

ClinVar aggregate classification (germline): Conflicting classifications of pathogenicity. Review status: criteria provided, conflicting classifications (1 of 4 stars). 13 submissions from 13 submitters: Uncertain significance (2); Benign (1); Likely benign (8). 2 of the submissions do not count toward it. Last evaluated 2026-01-25.

Conditions:
Hereditary cancer-predisposing syndrome. Also called: Tumor predisposition; Neoplastic Syndromes, Hereditary; Hereditary Cancer Syndrome; Hereditary neoplastic syndrome. Identifiers: Orphanet 140162, MedGen C0027672, MeSH D009386, MONDO:0015356.
Hereditary breast ovarian cancer syndrome. Also called: Hereditary breast and ovarian cancer syndrome (HBOC); Hereditary breast and ovarian cancer syndrome; Hereditary breast and ovarian cancer; Hereditary breast and/or ovarian cancer syndrome; Breast and ovarian cancer; BRCA1- and BRCA2-Associated Hereditary Breast and Ovarian Cancer. Identifiers: Orphanet 145, MedGen C0677776, MeSH D061325, MONDO:0003582. Disease mechanism: loss of function.
Breast-ovarian cancer, familial, susceptibility to, 1 (BROVCA1). Also called: OVARIAN CANCER, SUSCEPTIBILITY TO; BRCA1 Hereditary Breast and Ovarian Cancer. Identifiers: Orphanet 145, MedGen C2676676, MONDO:0011450, OMIM 604370. Disease mechanism: loss of function.
Malignant tumor of breast. Also called: Malignant breast neoplasm; Cancer breast. Identifiers: MedGen C0006142, MONDO:0007254. Disease mechanism: loss of function.

Allele frequency attached by ClinVar (database versions not stated): gnomAD below 0.00001 and 0.00002; ExAC 0.00007; gnomAD exomes 0.00007.
gnomAD v4.1: 46 of 1,613,550 alleles (0.0029%); highest among the groups gnomAD compares: South Asian, 0.045%; no homozygotes.

Submissions (13):

Labcorp Genetics (formerly Invitae), Labcorp
Classification: Likely benign for Hereditary breast ovarian cancer syndrome. Last evaluated: 2026-01-25. Review status: criteria provided, single submitter. Criteria: Invitae Variant Classification Sherloc (09022015). Collection method: clinical testing. Allele origin: germline.

Center for Genomic Medicine, Rigshospitalet, Copenhagen University Hospital
Classification: Likely benign. Last evaluated: 2025-03-04. Review status: criteria provided, single submitter. Criteria: ACMG Guidelines, 2015. Collection method: clinical testing. Allele origin: germline.
Comment: Classification criteria: BP1_Strong

ARUP Laboratories, Molecular Genetics and Genomics, ARUP Laboratories
Classification: Benign. Last evaluated: 2024-07-15. Review status: criteria provided, single submitter. Criteria: ARUP Molecular Germline Variant Investigation Process 2024. Collection method: clinical testing. Allele origin: germline.

Women's Health and Genetics/Laboratory Corporation of America, LabCorp
Classification: Uncertain significance. Last evaluated: 2024-06-05. Review status: criteria provided, single submitter. Criteria: LabCorp Variant Classification Summary - May 2015. Collection method: clinical testing. Allele origin: germline.
Comment: Variant summary: BRCA1 c.2426A>G (p.Glu809Gly) results in a non-conservative amino acid change in the encoded protein sequence. Four of five in-silico tools predict a benign effect of the variant on protein function. The variant allele was found at a frequency of 7.2e-05 in 250572 control chromosomes. This frequency is not significantly higher than estimated for a pathogenic variant in BRCA1 causing Hereditary Breast And Ovarian Cancer Syndrome, allowing no conclusion about variant significance. c.2426A>G has been reported in the literature in at least one individual affected with breast cancer (Darooei_2017). These report(s) do not provide unequivocal conclusions about association of the variant with Hereditary Breast And Ovarian Cancer Syndrome. To our knowledge, no experimental evidence demonstrating an impact on protein function has been reported. The following publication has been ascertained in the context of this evaluation (PMID: 28231738). ClinVar contains an entry for this variant (Variation ID: 37468). Based on the evidence outlined above, the variant was classified as uncertain significance.

Ambry Genetics
Classification: Likely benign for Hereditary cancer-predisposing syndrome. Last evaluated: 2023-05-13. Review status: criteria provided, single submitter. Criteria: Ambry Variant Classification Scheme 2023. Collection method: clinical testing. Allele origin: germline.

All of Us Research Program, National Institutes of Health
Classification: Likely benign for Breast-ovarian cancer, familial, susceptibility to, 1. Last evaluated: 2023-04-28. Review status: criteria provided, single submitter. Criteria: ACMG Guidelines, 2015. Collection method: clinical testing. Allele origin: germline. Inheritance: Autosomal dominant inheritance. Observed: 2 variant alleles, 2 heterozygotes.
Comment: This study involves interpretation of variants in research participants for the purpose of population health screening. Participant phenotype was not available at the time of variant classification. Additional details can be found in publication PMID: 35346344, PMCID: PMC8962531

University of Washington Department of Laboratory Medicine, University of Washington
Classification: Likely benign for Hereditary cancer-predisposing syndrome. Last evaluated: 2023-03-23. Review status: criteria provided, single submitter. Criteria: Dines et al. (Genet Med. 2020). Collection method: curation. Allele origin: germline.
Comment: Missense variant in a coldspot region where missense variants are very unlikely to be pathogenic (PMID:31911673).

BRCA1 coldspot (exon 11 using historical exon numbering). Reclassification based on statistical prior probability

National Health Laboratory Service, Universitas Academic Hospital and University of the Free State
Classification: Likely benign for Hereditary breast ovarian cancer syndrome. Last evaluated: 2021-11-16. Review status: criteria provided, single submitter. Criteria: ACMG Guidelines, 2015. Collection method: clinical testing. Allele origin: germline. Affected: yes. Observed: 1 variant allele.

Quest Diagnostics Nichols Institute San Juan Capistrano
Classification: Likely benign. Last evaluated: 2019-10-22. Review status: criteria provided, single submitter. Criteria: Quest Diagnostics criteria. Collection method: clinical testing. Allele origin: unknown.

Color Diagnostics, LLC DBA Color Health
Classification: Likely benign for Hereditary cancer-predisposing syndrome. Last evaluated: 2017-05-19. Review status: criteria provided, single submitter. Criteria: ACMG Guidelines, 2015. Collection method: clinical testing. Allele origin: germline.

Molecular Endocrinology Laboratory, Christian Medical College
Classification: Uncertain significance for Breast-ovarian cancer, familial, susceptibility to, 1. Review status: criteria provided, single submitter. Criteria: ACMG Guidelines, 2015. Collection method: clinical testing. Allele origin: germline. Affected: yes.

Sharing Clinical Reports Project (SCRP)
Classification: Uncertain significance for Breast-ovarian cancer, familial 1. Last evaluated: 2009-12-26. Review status: no assertion criteria provided. Collection method: clinical testing. Allele origin: germline. Not counted in ClinVar's aggregate classification.

Department of Pathology and Laboratory Medicine, Sinai Health System
Classification: Uncertain significance for Malignant tumor of breast. Review status: no assertion criteria provided. Collection method: clinical testing. Allele origin: unknown. Affected: yes. Study: The Canadian Open Genetics Repository (COGR). Not counted in ClinVar's aggregate classification.
Comment: The BRCA1 p.Glu809Gly variant was not identified in the literature, but was identified in dbSNP (ID: rs397507201) â€šÃ„Ãºwith uncertain significance alleleâ€šÃ„Ã¹, the COSMIC database in one sample, and the ClinVar database where it was classified with â€šÃ„ÃºUncertain significanceâ€šÃ„Ã¹ by the Sharing Reports Clinical Project (derived from Myriad reports). The variant was not identified in any control populations, including the Exome Variant Server ESP project, the Exome Aggregation Consortium (ExAC) database, 1000 Genomes project, or HAPMAP populations. The variant was also not identified in any other databases searched, including the HGMD, UMD, LOVD and BIC databases. The variant occurs outside of the splicing consensus sequence and in silico or computational prediction software programs (SpliceSiteFinder, MaxEntScan, NNSPLICE, GeneSplicer, HumanSpliceFinder) do not predict a difference in splicing. The p.Glu809 residue conserved across most mammals but is not conserved in lower organisms, and four out of five computational analyses (PolyPhen-2, SIFT, AlignGVGD, BLOSUM, MutationTaster) do not suggest a high likelihood of impact to the protein. However, this information is not predictive enough to rule out pathogenicity. In summary, based on the above information, the clinical significance of this variant cannot be determined with certainty at this time. This variant is classified as a variant of unknown significance.

Literature cited by the submitters: PubMed 28231738 (cited by 3 submitters); PubMed 28195393 (cited by Ambry Genetics); DOI 10.3389/fgene.2022.834265 (cited by National Health Laboratory Service, Universitas Academic Hospital and University of the Free State).